The following is an entry in ClinVar:

NM_018180.3(DHX32):c.542T>C (p.Val181Ala)

Gene: DHX32 (DEAH-box helicase 32 (putative); minus strand). Cytogenetic location: 10q26.2.
Variant type: single nucleotide variant.
Coding change: c.542T>C on transcript NM_018180.3 (MANE Select); coding-DNA position 542, T replaced by C.
Protein change: p.Val181Ala; replaces valine 181 with alanine.
Molecular consequence: missense variant.
Genome position (GRCh38, 1-based): chr10:125,859,910, A>G on the plus strand (T>C on the coding strand, the complement: DHX32 is on the minus strand). VCF-style: chr10-125859910-A-G. GRCh37 (hg19) VCF-style: chr10-127548479-A-G.
Other names: short protein forms V181A.
Identifiers: ClinVar variation 2057641 (VCV002057641.4), dbSNP rs2494436865, ClinGen allele CA378679075.

ClinVar aggregate classification (germline): Uncertain significance (1 of 4 stars; one submission).

Submission:

Labcorp Genetics (formerly Invitae), Labcorp
Classification: Uncertain significance. Last evaluated: 2022-11-22. Review status: criteria provided, single submitter. Criteria: Invitae Variant Classification Sherloc (09022015). Collection method: clinical testing. Allele origin: germline.
Comment: In summary, the available evidence is currently insufficient to determine the role of this variant in disease. Therefore, it has been classified as a Variant of Uncertain Significance. Algorithms developed to predict the effect of missense changes on protein structure and function are either unavailable or do not agree on the potential impact of this missense change (SIFT: "Tolerated"; PolyPhen-2: "Possibly Damaging"; Align-GVGD: "Class C0"). This variant has not been reported in the literature in individuals affected with DHX32-related conditions. This variant is not present in population databases (gnomAD no frequency). This sequence change replaces valine, which is neutral and non-polar, with alanine, which is neutral and non-polar, at codon 181 of the DHX32 protein (p.Val181Ala).